The following is an entry in ClinVar:

NM_000218.3(KCNQ1):c.1438A>G (p.Met480Val)

Genes: KCNQ1 (potassium voltage-gated channel subfamily Q member 1; plus strand), KCNQ1OT1 (KCNQ1 opposite strand/antisense transcript 1; minus strand). Cytogenetic location: 11p15.5.
Variant type: single nucleotide variant.
Coding change: c.1438A>G on transcript NM_000218.3 (MANE Select); coding-DNA position 1438, A replaced by G.
Protein change: p.Met480Val; replaces methionine 480 with valine.
Molecular consequence: missense variant. On other transcripts: non-coding transcript variant (1).
Genome position (GRCh38, 1-based): chr11:2,662,005, A>G. VCF-style: chr11-2662005-A-G. GRCh37 (hg19) VCF-style: chr11-2683235-A-G.
Other names: c.1342A>G, p.Met448Val (NM_001406836.1); c.1168A>G, p.Met390Val (NM_001406837.1); c.898A>G, p.Met300Val (NM_001406838.1); c.1057A>G, p.Met353Val (NM_181798.2); short protein forms M300V, M353V, M448V, M480V, M390V.
Identifiers: ClinVar variation 4843728 (VCV004843728.1).

ClinVar aggregate classification (germline): Uncertain significance (1 of 4 stars; one submission).

Conditions:
Cardiovascular phenotype. Identifiers: MedGen CN230736.

gnomAD v4.1: 1 of 1,614,218 alleles (0.000062%); highest among the groups gnomAD compares: African/African-American, 0.0013%; no homozygotes.

Submission:

Ambry Genetics
Classification: Uncertain significance for Cardiovascular phenotype. Last evaluated: 2025-12-24. Review status: criteria provided, single submitter. Criteria: Ambry Variant Classification Scheme 2023. Collection method: clinical testing. Allele origin: germline.
Comment: The p.M480V variant (also known as c.1438A>G), located in coding exon 11 of the KCNQ1 gene, results from an A to G substitution at nucleotide position 1438. The methionine at codon 480 is replaced by valine, an amino acid with highly similar properties. This amino acid position is conserved. In addition, the in silico prediction for this alteration is inconclusive. Based on the available evidence, the clinical significance of this variant remains unclear.